The following is an entry in ClinVar:

NM_001080508.3(TBX18):c.1285C>T (p.Arg429Ter)

Gene: TBX18 (T-box transcription factor 18; minus strand). Cytogenetic location: 6q14.3.
Variant type: single nucleotide variant.
Coding change: c.1285C>T on transcript NM_001080508.3 (MANE Select); coding-DNA position 1285, C replaced by T.
Protein change: p.Arg429Ter; replaces arginine 429 with a stop codon.
Molecular consequence: nonsense.
Genome position (GRCh38, 1-based): chr6:84,737,224, G>A on the plus strand (C>T on the coding strand, the complement: TBX18 is on the minus strand). VCF-style: chr6-84737224-G-A. GRCh37 (hg19) VCF-style: chr6-85446942-G-A.
Other names: short protein forms R429*.
Identifiers: ClinVar variation 280531 (VCV000280531.9), dbSNP rs886041719, ClinGen allele CA10603011.
Genomic context (GRCh38, chr6:84,737,224, plus strand): 5'-AGGTCTCACCAGCCTGGTTGGTGAGCCTGTTGTAGGTCTCTGCCAAAGATGTGCTGTATC[G>A]GTTGAGGGTGAGGCCTGAGCGGGCACAGGCAGAATAGTCAGCAGGGGCCAGACTACACAG-3'

ClinVar aggregate classification (germline): Conflicting classifications of pathogenicity. Review status: criteria provided, conflicting classifications (1 of 4 stars). 2 submissions from 2 submitters: Pathogenic (1); Uncertain significance (1). Last evaluated 2020-01-23.

gnomAD v4.1: 1 of 1,610,802 alleles (0.000062%); highest among the groups gnomAD compares: Non-Finnish European, 0.000085%; no homozygotes.

Submissions (2):

Diagnostics Services (NGS), CSIR - Centre For Cellular And Molecular Biology
Classification: Uncertain significance. Last evaluated: 2020-01-23. Review status: criteria provided, single submitter. Criteria: ACMG Guidelines, 2015. Collection method: clinical testing. Allele origin: unknown. Affected: yes.
Comment: TBX18 gene is thought to be responsible for the development of the myocytes in the ventricular septum and the atrial and ventricular walls of the heart. Congenital heart defects were reported earlier in patients with deletions involvingTBX18 gene (6q14.3) [Engwerda et al., Eur J Hum Genet 2018]. Heterozygous variants within the TBX18 gene promoter were reported in 4 individuals with ventricular septal defect, while no functional variants were found in a control group [Ma et al., Mol Cell Biochem 2013]. TBX18 also plays critical roles in limb development of vertebrates [Sheeba et al., Curr Top Dev Biol 2017]. Heterozygous variations in TBX18 gene are also known to cause congenital anomalies of kidney and urinary tract 2 (MIM#143400). The c.1285C>T variant is not present in publicly available databases like 1000 Genomes, Exome Variant Server (EVS), Exome Aggregation Consortium (ExAC) and Genome Aggregation Database (gnomAD). The variant is also not present in our in-house exome database. The variant was earlier reported as pathogenic in ClinVar database (Accession ID: VCV000280531.2), however, the phenotype or disease condition was not provided. This variant is predicted to cause loss of normal protein function through protein truncation. In-silico pathogenicity prediction programs MutationTaster2, CADD etc. predicted this variant as likely deleterious. This variant is being classified as uncertain significance in view of the clinical features reported in the patient.

GeneDx
Classification: Pathogenic. Last evaluated: 2016-05-05. Review status: criteria provided, single submitter. Criteria: GeneDx Variant Classification (06012015). Collection method: clinical testing. Allele origin: germline. Affected: yes.
Comment: The R429X pathogenic variant in the TBX18 gene has not been reported previously as a pathogenic variant nor as a benign variant, to our knowledge. This variant is predicted to cause loss of normal protein function through protein truncation. The R429X variant was not observed in approximately 6,500 individuals of European and African American ancestry in the NHLBI Exome Sequencing Project, indicating it is not a common benign variant in these populations. We interpret R429X as a pathogenic variant